The following is an entry in ClinVar:

NM_000540.3(RYR1):c.8361C>T (p.Thr2787=)

Genes: RYR1 (ryanodine receptor 1; plus strand), LOC126862902 (BRD4-independent group 4 enhancer GRCh37_chr19:38995830-38997029; plus strand). Cytogenetic location: 19q13.2.
Variant type: single nucleotide variant.
Coding change: c.8361C>T on transcript NM_000540.3 (MANE Select); coding-DNA position 8361, C replaced by T.
Protein change: p.Thr2787=; no amino-acid change (threonine 2787 retained).
Molecular consequence: synonymous variant.
Genome position (GRCh38, 1-based): chr19:38,505,359, C>T. VCF-style: chr19-38505359-C-T. GRCh37 (hg19) VCF-style: chr19-38995999-C-T.
Other names: p.Thr2787=; c.8361C>T, p.Thr2787= (NM_001042723.2).
Identifiers: ClinVar variation 256574 (VCV000256574.47), dbSNP rs77216903, ClinGen allele CA071889.

ClinVar aggregate classification (germline): Benign/Likely benign. Review status: criteria provided, multiple submitters, no conflicts (2 of 4 stars). 8 submissions from 8 submitters: Benign (6); Likely benign (2). Last evaluated 2026-07-01.

Conditions:
RYR1-related disorder. Also called: RYR1-related disorders; RYR1-related condition. Identifiers: MedGen CN239331.
Inborn genetic diseases. Identifiers: MedGen C0950123, MeSH D030342.
Malignant hyperthermia, susceptibility to, 1 (MHS1). Also called: Malignant hyperthermia suceptibility 1; Anesthesia related hyperthermia; Malignant hyperpyrexia; Fulminating hyperpyrexia; Pharmacogenic myopathy; RYR1-Related Malignant Hyperthermia Susceptibility. Identifiers: Orphanet 423, MedGen C2930980, MONDO:0007783, OMIM 145600.

Allele frequency attached by ClinVar (database versions not stated): gnomAD exomes 0.00042 and 0.00116; ExAC 0.00158; ESP Exome Variant Server 0.00423; gnomAD 0.00453 and 0.00482; TOPMed 0.00520; 1000 Genomes Project 0.00659; 1000 Genomes Project 30x 0.00781.
gnomAD v4.1: 1,371 of 1,612,366 alleles (0.085%); highest among the groups gnomAD compares: African/African-American, 1.5%; 13 homozygotes.

Submissions (8):

Ambry Genetics
Classification: Likely benign for Inborn genetic diseases. Last evaluated: 2026-07-01. Review status: criteria provided, single submitter. Criteria: Ambry Variant Classification Scheme 2023. Collection method: clinical testing. Allele origin: germline.

CeGaT Center for Human Genetics Tuebingen
Classification: Benign. Last evaluated: 2026-07-01. Review status: criteria provided, single submitter. Criteria: CeGaT Center For Human Genetics Tuebingen Variant Classification Criteria Version 2. Collection method: clinical testing. Allele origin: germline. Affected: yes. Observed: 12 variant alleles.
Comment: RYR1: BP4, BP7, BS1, BS2

Labcorp Genetics (formerly Invitae), Labcorp
Classification: Benign for RYR1-related disorder. Last evaluated: 2026-02-03. Review status: criteria provided, single submitter. Criteria: Invitae Variant Classification Sherloc (09022015). Collection method: clinical testing. Allele origin: germline.

Blueprint Genetics
Classification: Likely benign. Last evaluated: 2024-10-16. Review status: criteria provided, single submitter. Criteria: ACMG Guidelines, 2015. Collection method: clinical testing. Allele origin: germline.

Mayo Clinic Laboratories, Mayo Clinic
Classification: Benign. Last evaluated: 2024-02-23. Review status: criteria provided, single submitter. Criteria: ACMG Guidelines, 2015. Collection method: clinical testing. Allele origin: germline. Observed: 4 variant alleles.
Comment: BS1, BS2, BP4, BP7

Color Diagnostics, LLC DBA Color Health
Classification: Benign for Malignant hyperthermia, susceptibility to, 1. Last evaluated: 2022-10-11. Review status: criteria provided, single submitter. Criteria: ACMG Guidelines, 2015. Collection method: clinical testing. Allele origin: germline.

GeneDx
Classification: Benign. Last evaluated: 2018-06-25. Review status: criteria provided, single submitter. Criteria: GeneDx Variant Classification Process June 2021. Collection method: clinical testing. Allele origin: germline. Affected: yes.

PreventionGenetics, part of Exact Sciences
Classification: Benign. Last evaluated: 2017-12-27. Review status: criteria provided, single submitter. Criteria: ACMG Guidelines, 2015. Collection method: clinical testing. Allele origin: germline.